The following is an entry in ClinVar:

NM_001244008.2(KIF1A):c.4930T>C (p.Ser1644Pro)

Gene: KIF1A (kinesin family member 1A; minus strand). Cytogenetic location: 2q37.3.
Variant type: single nucleotide variant.
Coding change: c.4930T>C on transcript NM_001244008.2 (MANE Select); coding-DNA position 4930, T replaced by C.
Protein change: p.Ser1644Pro; replaces serine 1644 with proline.
Molecular consequence: missense variant.
Genome position (GRCh38, 1-based): chr2:240,719,865, A>G on the plus strand (T>C on the coding strand, the complement: KIF1A is on the minus strand). VCF-style: chr2-240719865-A-G. GRCh37 (hg19) VCF-style: chr2-241659282-A-G.
Other names: c.4654T>C, p.Ser1552Pro (NM_001320705.2, NM_001379649.1); c.4681T>C, p.Ser1561Pro (NM_001330289.2); c.4729T>C, p.Ser1577Pro (NM_001330290.2, NM_001379648.1); c.5005T>C, p.Ser1669Pro (NM_001379631.1); c.4906T>C, p.Ser1636Pro (NM_001379632.1); c.4903T>C, p.Ser1635Pro (NM_001379633.1, NM_001379645.1); c.4756T>C, p.Ser1586Pro (NM_001379634.1); c.4753T>C, p.Ser1585Pro (NM_001379635.1, NM_001379646.1); and 7 more; short protein forms S1560P, S1577P, S1636P, S1542P, S1552P, S1568P, S1581P, S1585P.
Identifiers: ClinVar variation 1369548 (VCV001369548.6), dbSNP rs2125575152, ClinGen allele CA351300692.
Genomic context (GRCh38, chr2:240,719,865, plus strand): 5'-GCAGGCGCTGGGGCTCCTTGTCTGTCTCTGTTGCCCGGGCAGGGGAAGGGAGCTTCTTGG[A>G]GTCGGCCTCTGGCAGCAGCTCGGGCTCTGGGCTGGCTGGCCGGGAGCAGGGCTGCGGGGT-3'
Protein context (NP_001230937.1, residues 1634-1654): PEPELLPEAD[Ser1644Pro]KKLPSPARAT

ClinVar aggregate classification (germline): Uncertain significance (1 of 4 stars; one submission).

Conditions:
Hereditary spastic paraplegia 30. Identifiers: Orphanet 101010, MedGen C5235139, MONDO:0012476.
Neuropathy, hereditary sensory, type 2C. Also called: Hereditary sensory and autonomic neuropathy type IIC; KIF1A-Related HSAN2 (HSAN2C). Identifiers: Orphanet 970, MedGen C3280168, MONDO:0013634, OMIM 614213.
Intellectual disability, autosomal dominant 9 (NESCAVS). Also called: NESCAV SYNDROME; KIF1A-Related Neurodevelopmental Disorder. Identifiers: Orphanet 662367, MedGen C5393830, MONDO:0013656, OMIM 614255.

Submission:

Labcorp Genetics (formerly Invitae), Labcorp
Classification: Uncertain significance for Hereditary spastic paraplegia 30; Neuropathy, hereditary sensory, type 2C; Intellectual disability, autosomal dominant 9. Last evaluated: 2022-10-18. Review status: criteria provided, single submitter. Criteria: Invitae Variant Classification Sherloc (09022015). Collection method: clinical testing. Allele origin: germline.
Comment: This sequence change replaces serine, which is neutral and polar, with proline, which is neutral and non-polar, at codon 1543 of the KIF1A protein (p.Ser1543Pro). This variant is not present in population databases (gnomAD no frequency). This variant has not been reported in the literature in individuals affected with KIF1A-related conditions. ClinVar contains an entry for this variant (Variation ID: 1369548). Advanced modeling of protein sequence and biophysical properties (such as structural, functional, and spatial information, amino acid conservation, physicochemical variation, residue mobility, and thermodynamic stability) performed at Invitae indicates that this missense variant is not expected to disrupt KIF1A protein function. In summary, the available evidence is currently insufficient to determine the role of this variant in disease. Therefore, it has been classified as a Variant of Uncertain Significance.